The following is an entry in ClinVar:

ClinVar aggregate classification (germline): Uncertain significance (1 of 4 stars; one submission).

Conditions:
Combined immunodeficiency with skin granulomas. Identifiers: Orphanet 157949, MedGen C2673536, MONDO:0009306, OMIM 233650.
Severe combined immunodeficiency, autosomal recessive, T cell-negative, B cell-negative, NK cell-positive. Also called: SCID, AR, T-cell negative, B-cell negative, NK cell-positive; Severe combined immunodeficiency due to complete RAG1/2 deficiency; SCID, T CELL-NEGATIVE, B CELL-NEGATIVE, NK CELL-POSITIVE. Identifiers: Orphanet 331206, MedGen C1832322, MONDO:0011086, OMIM 601457.

gnomAD v4.1: 1 of 1,614,228 alleles (0.000062%); highest among the groups gnomAD compares: Admixed American, 0.0017%; no homozygotes.

Submission:

Labcorp Genetics (formerly Invitae), Labcorp
Classification: Uncertain significance for Combined immunodeficiency with skin granulomas; Severe combined immunodeficiency, autosomal recessive, T cell-negative, B cell-negative, NK cell-positive. Last evaluated: 2022-03-08. Review status: criteria provided, single submitter. Criteria: Invitae Variant Classification Sherloc (09022015). Collection method: clinical testing. Allele origin: germline.
Comment: This sequence change replaces glutamic acid, which is acidic and polar, with alanine, which is neutral and non-polar, at codon 95 of the RAG1 protein (p.Glu95Ala). This variant is present in population databases (no rsID available, gnomAD 0.003%). This variant has not been reported in the literature in individuals affected with RAG1-related conditions. Advanced modeling of protein sequence and biophysical properties (such as structural, functional, and spatial information, amino acid conservation, physicochemical variation, residue mobility, and thermodynamic stability) performed at Invitae indicates that this missense variant is not expected to disrupt RAG1 protein function. In summary, the available evidence is currently insufficient to determine the role of this variant in disease. Therefore, it has been classified as a Variant of Uncertain Significance.

NM_000448.3(RAG1):c.284A>C (p.Glu95Ala)

Gene: RAG1 (recombination activating 1; plus strand). Cytogenetic location: 11p12.
Variant type: single nucleotide variant.
Coding change: c.284A>C on transcript NM_000448.3 (MANE Select); coding-DNA position 284, A replaced by C.
Protein change: p.Glu95Ala; replaces glutamic acid 95 with alanine.
Molecular consequence: missense variant.
Genome position (GRCh38, 1-based): chr11:36,573,588, A>C. VCF-style: chr11-36573588-A-C. GRCh37 (hg19) VCF-style: chr11-36595138-A-C.
Other names: c.284A>C, p.Glu95Ala (NM_001377277.1, NM_001377278.1, NM_001377279.1 and 1 more transcripts); short protein forms E95A.
Identifiers: ClinVar variation 2038975 (VCV002038975.1), dbSNP rs142057334, ClinGen allele CA380146228.
Genomic context (GRCh38, chr11:36,573,588, plus strand): 5'-TCCCAACTCAGCCATTGTTAAAAGCCCACCCTAAGTTTTCAAAGAAATTTCACGACAACG[A>C]GAAAGCAAGAGGCAAAGCGATCCATCAAGCCAACCTTCGACATCTCTGCCGCATCTGTGG-3'
Protein context (NP_000439.2, residues 85-105): PKFSKKFHDN[Glu95Ala]KARGKAIHQA